The following is an entry in ClinVar:

ClinVar aggregate classification (germline): Uncertain significance. Review status: criteria provided, multiple submitters, no conflicts (2 of 4 stars). 3 submissions from 3 submitters: Uncertain significance (3). Last evaluated 2025-07-09.

Conditions:
Inborn genetic diseases. Identifiers: MedGen C0950123, MeSH D030342.
GLRA1-related disorder. Also called: GLRA1-related condition.
Hereditary hyperekplexia. Identifiers: Orphanet 3197, MedGen C4084968, MONDO:0021022.

Allele frequency attached by ClinVar (database versions not stated): gnomAD exomes below 0.00001 and 0.00001; ExAC 0.00001; ESP Exome Variant Server 0.00008.
gnomAD v4.1: 7 of 1,614,114 alleles (0.00043%); highest among the groups gnomAD compares: Non-Finnish European, 0.00059%; no homozygotes.

Submissions (3):

PreventionGenetics, part of Exact Sciences
Classification: Uncertain significance for GLRA1-related condition. Last evaluated: 2025-07-09. Review status: criteria provided, single submitter. Criteria: ACMG Guidelines, 2015. Collection method: clinical testing. Allele origin: germline.
Comment: The GLRA1 c.1028T>C variant is predicted to result in the amino acid substitution p.Leu343Pro. To our knowledge, this variant has not been reported in the literature. This variant is reported in 0.00088% of alleles in individuals of European (Non-Finnish) descent in gnomAD. At this time, the clinical significance of this variant is uncertain due to the absence of conclusive functional and genetic evidence.

Labcorp Genetics (formerly Invitae), Labcorp
Classification: Uncertain significance for Hereditary hyperekplexia. Last evaluated: 2024-12-22. Review status: criteria provided, single submitter. Criteria: Invitae Variant Classification Sherloc (09022015). Collection method: clinical testing. Allele origin: germline.
Comment: This sequence change replaces leucine, which is neutral and non-polar, with proline, which is neutral and non-polar, at codon 343 of the GLRA1 protein (p.Leu343Pro). This variant is present in population databases (rs148221542, gnomAD 0.0009%). This variant has not been reported in the literature in individuals affected with GLRA1-related conditions. ClinVar contains an entry for this variant (Variation ID: 971726). Invitae Evidence Modeling of protein sequence and biophysical properties (such as structural, functional, and spatial information, amino acid conservation, physicochemical variation, residue mobility, and thermodynamic stability) indicates that this missense variant is not expected to disrupt GLRA1 protein function with a negative predictive value of 80%. In summary, the available evidence is currently insufficient to determine the role of this variant in disease. Therefore, it has been classified as a Variant of Uncertain Significance.

Ambry Genetics
Classification: Uncertain significance for Inborn genetic diseases. Last evaluated: 2023-03-06. Review status: criteria provided, single submitter. Criteria: Ambry Variant Classification Scheme 2023. Collection method: clinical testing. Allele origin: germline.

NM_000171.4(GLRA1):c.1028T>C (p.Leu343Pro)

Gene: GLRA1 (glycine receptor alpha 1; minus strand). Cytogenetic location: 5q33.1.
Variant type: single nucleotide variant.
Coding change: c.1028T>C on transcript NM_000171.4 (MANE Select); coding-DNA position 1028, T replaced by C.
Protein change: p.Leu343Pro; replaces leucine 343 with proline.
Molecular consequence: missense variant.
Genome position (GRCh38, 1-based): chr5:151,828,952, A>G on the plus strand (T>C on the coding strand, the complement: GLRA1 is on the minus strand). VCF-style: chr5-151828952-A-G. GRCh37 (hg19) VCF-style: chr5-151208513-A-G.
Other names: c.1028T>C, p.Leu343Pro (NM_001146040.2); c.779T>C, p.Leu260Pro (NM_001292000.2); short protein forms L343P, L260P.
Identifiers: ClinVar variation 971726 (VCV000971726.13), dbSNP rs148221542, ClinGen allele CA3523554.